The following is an entry in ClinVar:

NM_032108.4(SEMA6B):c.2302C>T (p.Pro768Ser)

Gene: SEMA6B (semaphorin 6B; minus strand). Cytogenetic location: 19p13.3.
Variant type: single nucleotide variant.
Coding change: c.2302C>T on transcript NM_032108.4 (MANE Select); coding-DNA position 2302, C replaced by T.
Protein change: p.Pro768Ser; replaces proline 768 with serine.
Molecular consequence: missense variant.
Genome position (GRCh38, 1-based): chr19:4,543,966, G>A on the plus strand (C>T on the coding strand, the complement: SEMA6B is on the minus strand). VCF-style: chr19-4543966-G-A. GRCh37 (hg19) VCF-style: chr19-4543978-G-A.
Other names: short protein forms P768S.
Identifiers: ClinVar variation 1697105 (VCV001697105.2), dbSNP rs1156599689, ClinGen allele CA403460813.

ClinVar aggregate classification (germline): Uncertain significance (1 of 4 stars; one submission).

Allele frequency attached by ClinVar (database versions not stated): TOPMed 0.00002.

Submission:

GeneDx
Classification: Uncertain significance. Last evaluated: 2022-01-14. Review status: criteria provided, single submitter. Criteria: GeneDx Variant Classification Process June 2021. Collection method: clinical testing. Allele origin: germline. Affected: yes.
Comment: Not observed at significant frequency in large population cohorts (gnomAD); In silico analysis supports that this missense variant does not alter protein structure/function; Has not been previously published as pathogenic or benign to our knowledge